The following is an entry in ClinVar:

ClinVar aggregate classification (germline): Likely pathogenic (1 of 4 stars; one submission).

Conditions:
Hereditary spastic paraplegia 2 (SPG2). Also called: SPASTIC PARAPLEGIA 2, X-LINKED; Spastic Paraplegia 2 (SPG2). Identifiers: Orphanet 99015, MedGen C0751604, MONDO:0010733, OMIM 312920.

Submission:

Baylor Genetics
Classification: Likely pathogenic for Hereditary spastic paraplegia 2. Last evaluated: 2019-02-21. Review status: criteria provided, single submitter. Criteria: ACMG Guidelines, 2015. Collection method: clinical testing. Allele origin: maternal. Affected: yes.
Comment: This variant was determined to be likely pathogenic according to ACMG Guidelines, 2015 [PMID:25741868]. This variant has been previously reported as disease-causing [PMID 9934976]

Literature cited by the submitters: PubMed 9934976.

NM_000533.5(PLP1):c.670C>A (p.Leu224Ile)

Genes: PLP1 (proteolipid protein 1; plus strand), RAB9B (RAB9B, member RAS oncogene family; minus strand). Cytogenetic location: Xq22.2.
Variant type: single nucleotide variant.
Coding change: c.670C>A on transcript NM_000533.5 (MANE Select); coding-DNA position 670, C replaced by A.
Protein change: p.Leu224Ile; replaces leucine 224 with isoleucine.
Molecular consequence: missense variant.
Genome position (GRCh38, 1-based): chrX:103,788,484, C>A. VCF-style: chrX-103788484-C-A. GRCh37 (hg19) VCF-style: chrX-103043413-C-A.
Other names: c.670C>A, p.Leu224Ile (NM_001128834.3); c.505C>A, p.Leu169Ile (NM_001305004.1); c.565C>A, p.Leu189Ile (NM_199478.3); short protein forms L224I, L169I, L189I.
Identifiers: ClinVar variation 1029901 (VCV001029901.1), dbSNP rs2074517785, ClinGen allele CA414104364.